The following is an entry in ClinVar:

NM_000027.4(AGA):c.311A>T (p.Asp104Val)

Gene: AGA (aspartylglucosaminidase; minus strand). Cytogenetic location: 4q34.3.
Variant type: single nucleotide variant.
Coding change: c.311A>T on transcript NM_000027.4 (MANE Select); coding-DNA position 311, A replaced by T.
Protein change: p.Asp104Val; replaces aspartic acid 104 with valine.
Molecular consequence: missense variant. On other transcripts: non-coding transcript variant (1).
Genome position (GRCh38, 1-based): chr4:177,439,659, T>A on the plus strand (A>T on the coding strand, the complement: AGA is on the minus strand). VCF-style: chr4-177439659-T-A. GRCh37 (hg19) VCF-style: chr4-178360813-T-A.
Other names: c.311A>T, p.Asp104Val (NM_001171988.2); short protein forms D104V.
Identifiers: ClinVar variation 2417923 (VCV002417923.3), dbSNP rs1156626784, ClinGen allele CA358783796.

ClinVar aggregate classification (germline): Uncertain significance (1 of 4 stars; one submission).

Conditions:
Aspartylglucosaminuria (AGU). Also called: GLYCOASPARAGINASE; GLYCOSYLASPARAGINASE DEFICIENCY; AGA DEFICIENCY; Aspartylglucos-aminuria; Aspartylglucos-amidase (AGA) deficiency. Identifiers: Orphanet 93, MedGen C0268225, MONDO:0008830, OMIM 208400, HP:0012068.

Submission:

Labcorp Genetics (formerly Invitae), Labcorp
Classification: Uncertain significance for Aspartylglucosaminuria. Last evaluated: 2022-09-13. Review status: criteria provided, single submitter. Criteria: Invitae Variant Classification Sherloc (09022015). Collection method: clinical testing. Allele origin: germline.
Comment: This sequence change replaces aspartic acid, which is acidic and polar, with valine, which is neutral and non-polar, at codon 104 of the AGA protein (p.Asp104Val). This variant is not present in population databases (gnomAD no frequency). This variant has not been reported in the literature in individuals affected with AGA-related conditions. Advanced modeling of protein sequence and biophysical properties (such as structural, functional, and spatial information, amino acid conservation, physicochemical variation, residue mobility, and thermodynamic stability) performed at Invitae indicates that this missense variant is not expected to disrupt AGA protein function. In summary, the available evidence is currently insufficient to determine the role of this variant in disease. Therefore, it has been classified as a Variant of Uncertain Significance.